The following continues an entry in ClinVar:

NM_007294.4(BRCA1):c.3228_3229del (p.Gly1077fs)

ClinVar aggregate classification (germline): Pathogenic. Pathogenic (1).

Submissions 8 to 25 of 28:

All of Us Research Program, National Institutes of Health
Classification: Pathogenic for BRCA1-related cancer predisposition. Last evaluated: 2024-09-03. Review status: criteria provided, single submitter. Criteria: ACMG Guidelines, 2015. Collection method: clinical testing. Allele origin: germline. Inheritance: Autosomal dominant inheritance. Observed: 2 variant alleles, 2 heterozygotes. Not counted in ClinVar's aggregate classification.
Comment: This variant deletes 2 nucleotides in exon 10 of the BRCA1 gene, creating a frameshift and premature translation stop signal. This variant is expected to result in an absent or non-functional protein product. This variant has been reported in over 30 individuals and families affected with breast and/or ovarian cancer (PMID: 11720839, 14522380, 14531499, 15477862, 17574839, 18819001, 18821011, 19837273, 20104584, 22798144, 24549055, 26350514, 27425403, 28637432, 28724667, 29371908, 33471991; Leiden Open Variation Database DB-ID BRCA1_000674), and it is considered a founder or recurrent mutation in the Norwegian and Italian populations (PMID: 17591843, 18821011). This variant has been identified in 61 families among the CIMBA participants (PMID: 29446198). This variant has been identified in 1/250376 chromosomes in the general population by the Genome Aggregation Database (gnomAD). Loss of BRCA1 function is a known mechanism of disease. Based on the available evidence, this variant is classified as Pathogenic.

This study involves interpretation of variants in research participants for the purpose of population health screening. Participant phenotype was not available at the time of variant classification. Additional details can be found in publication PMID: 35346344, PMCID: PMC8962531

Fulgent Genetics
Classification: Pathogenic for Breast-ovarian cancer, familial, susceptibility to, 1; Pancreatic cancer, susceptibility to, 4; Fanconi anemia, complementation group S. Last evaluated: 2024-05-17. Review status: criteria provided, single submitter. Criteria: ACMG Guidelines, 2015. Collection method: clinical testing. Allele origin: germline. Not counted in ClinVar's aggregate classification.

Women's Health and Genetics/Laboratory Corporation of America, LabCorp
Classification: Pathogenic for Hereditary breast ovarian cancer syndrome. Last evaluated: 2023-11-07. Review status: criteria provided, single submitter. Criteria: LabCorp Variant Classification Summary - May 2015. Collection method: clinical testing. Allele origin: germline. Not counted in ClinVar's aggregate classification.
Comment: Variant summary: BRCA1 c.3228_3229delAG (p.Gly1077AlafsX8) results in a premature termination codon, predicted to cause a truncation of the encoded protein or absence of the protein due to nonsense mediated decay, which are commonly known mechanisms for disease. The variant allele was found at a frequency of 4e-06 in 250376 control chromosomes. c.3228_3229delAG has been reported in the literature in multiple individuals affected with Hereditary Breast And Ovarian Cancer Syndrome (e.g. Papi_2009, Moller_2007). These data indicate that the variant is very likely to be associated with disease. To our knowledge, no experimental evidence demonstrating an impact on protein function has been reported. The following publications have been ascertained in the context of this evaluation (PMID: 18821011, 17574839). Multiple submitters have cited clinical-significance assessments for this variant to ClinVar after 2014. All submitters classified the variant as pathogenic. Based on the evidence outlined above, the variant was classified as pathogenic.

GeneDx
Classification: Pathogenic. Last evaluated: 2023-06-22. Review status: criteria provided, single submitter. Criteria: GeneDx Variant Classification Process June 2021. Collection method: clinical testing. Allele origin: germline. Affected: yes. Not counted in ClinVar's aggregate classification.
Comment: Founder pathogenic variant in the Norwegian population (Ferla 2007); Frameshift variant predicted to result in protein truncation or nonsense mediated decay in a gene for which loss-of-function is a known mechanism of disease; Not observed at significant frequency in large population cohorts (gnomAD); Truncating variants in this gene are considered pathogenic by a well-established clinical consortium and/or database; Also known as 3347_3348del, 3345delAG, and 3347delAG; This variant is associated with the following publications: (PMID: 10359546, 24549055, 20104584, 26350514, 27356891, 27425403, 27836010, 29061375, 29339979, 29907814, 34413315, 32438681, 31336956, 29922827, 28888541, 19656164, 17591843, 10660329, 18821011, 14522380, 17574839, 15477862, 18819001, 22798144, 17063270, 10595257, 24312913, 15735322, 26852130, 23776375, 24131976, 19383375, 9544766, 12543786, 15519522, 18158280, 16764716, 28161869, 28637432, 28127413, 28664506, 29470806, 28724667, 29161300, 30702160, 28111427, 30720243, 32854451, 31825140, 33646313, 32719484, 11720839, 35710434, 35864222, 34981296)

Baylor Genetics
Classification: Pathogenic for Breast-ovarian cancer, familial, susceptibility to, 1. Last evaluated: 2022-12-30. Review status: criteria provided, single submitter. Criteria: ACMG Guidelines, 2015. Collection method: clinical testing. Allele origin: unknown. Not counted in ClinVar's aggregate classification.

Revvity Omics, Revvity
Classification: Pathogenic. Last evaluated: 2022-09-26. Review status: criteria provided, single submitter. Criteria: ACMG Guidelines, 2015. Collection method: clinical testing. Allele origin: germline. Not counted in ClinVar's aggregate classification.

National Health Laboratory Service, Universitas Academic Hospital and University of the Free State
Classification: Pathogenic for Hereditary breast ovarian cancer syndrome. Last evaluated: 2021-11-16. Review status: criteria provided, single submitter. Criteria: ACMG Guidelines, 2015. Collection method: clinical testing. Allele origin: germline. Affected: yes. Observed: 3 variant alleles. Not counted in ClinVar's aggregate classification.

Institute of Medical Genetics and Applied Genomics, University Hospital Tübingen
Classification: Pathogenic. Last evaluated: 2021-09-15. Review status: criteria provided, single submitter. Criteria: ACMG Guidelines, 2015. Collection method: clinical testing. Allele origin: germline. Inheritance: Autosomal dominant inheritance. Affected: yes. Not counted in ClinVar's aggregate classification.

Quest Diagnostics Nichols Institute San Juan Capistrano
Classification: Pathogenic. Last evaluated: 2021-08-26. Review status: criteria provided, single submitter. Criteria: Quest Diagnostics criteria. Collection method: clinical testing. Allele origin: unknown. Not counted in ClinVar's aggregate classification.
Comment: This frameshift variant causes the premature termination of BRCA1 protein synthesis. In addition, it has been reported in individuals with breast and/or ovarian cancer in the published literature (PMID: 34072659 (2021), 32854451 (2020), 18821011 (2009), and 11720839 (2001)). Based on the available information, this variant is classified as pathogenic.

CHEO Genetics Diagnostic Laboratory, Children's Hospital of Eastern Ontario
Classification: Pathogenic for Breast and/or ovarian cancer. Last evaluated: 2020-06-17. Review status: criteria provided, single submitter. Criteria: ACMG Guidelines, 2015. Collection method: clinical testing. Allele origin: germline. Not counted in ClinVar's aggregate classification.

Human Genome Sequencing Center Clinical Lab, Baylor College of Medicine
Classification: Pathogenic for hereditary breast and ovarian cancer syndrome. Last evaluated: 2019-01-30. Review status: criteria provided, single submitter. Criteria: ACMG Guidelines, 2015. Collection method: clinical testing. Allele origin: unknown. Not counted in ClinVar's aggregate classification.
Comment: The c.3228_3229del (p.Gly1077Alafs*8) variant in the BRCA1 gene is located on exon 10 and introduces an early stop codon. It is predicted to result in an absent or disrupted protein product. This variant has been reported in multiple individuals with breast and/or ovarian cancer (PMID: 11720839, 14522380, 14531499, 15477862, 16030099, 17574839, 17591843, 18819001, 18821011, 19837273, 19941167, 20104584, 22798144, 24549055, 26350514, 27425403, 28637432, 28724667, 29371908, 32438681, 33403015, 33471991, 34072659). This variant is a founder mutation in Norwegian and Italian populations (PMID: 17591843, 18821011). The variant is reported in ClinVar as pathogenic (ID: 37516) and reviewed by the expert panel. This variant is rare (1/250376 chromosomes) in the general population by the Genome Aggregation Database (gnomAD). Truncating variants in BRCA1 gene are known to be pathogenic (PMID: 21989022, 17661172, 22762150). Therefore, this variant is classified as pathogenic.

Clinical Genetics and Genomics, Karolinska University Hospital
Classification: Pathogenic. Last evaluated: 2017-05-30. Review status: criteria provided, single submitter. Criteria: ACMG Guidelines, 2015. Collection method: clinical testing. Allele origin: germline. Affected: yes. Observed: 1 variant allele. Not counted in ClinVar's aggregate classification.

Baylor Genetics
Classification: Pathogenic for Familial cancer of breast. Last evaluated: 2017-02-23. Review status: criteria provided, single submitter. Criteria: ACMG Guidelines, 2015. Collection method: clinical testing. Allele origin: germline. Inheritance: Autosomal dominant inheritance. Affected: yes. Observed: 1 variant allele. Not counted in ClinVar's aggregate classification.

Department of Medical Genetics, Oslo University Hospital
Classification: Pathogenic for Breast-ovarian cancer, familial, susceptibility to, 1. Last evaluated: 2016-11-17. Review status: criteria provided, single submitter. Criteria: ACMG Guidelines, 2015. Collection method: clinical testing. Allele origin: germline. Affected: yes. Observed: 214 variant alleles. Not counted in ClinVar's aggregate classification.

Consortium of Investigators of Modifiers of BRCA1/2 (CIMBA), c/o University of Cambridge
Classification: Pathogenic for Breast-ovarian cancer, familial, susceptibility to, 1. Last evaluated: 2015-10-02. Review status: criteria provided, single submitter. Criteria: CIMBA Mutation Classification guidelines May 2016. Collection method: clinical testing. Allele origin: germline. Not counted in ClinVar's aggregate classification.

Genesis Genomics
Classification: Pathogenic for Breast-ovarian cancer, familial, susceptibility to, 1. Review status: criteria provided, single submitter. Criteria: ACMG Guidelines, 2015. Collection method: clinical testing. Allele origin: germline. Affected: yes. Observed: 1 variant allele. Not counted in ClinVar's aggregate classification.

BRCAlab, Lund University
Classification: Pathogenic for Breast-ovarian cancer, familial, susceptibility to, 1. Last evaluated: 2020-03-02. Review status: no assertion criteria provided. Collection method: clinical testing. Allele origin: germline. Affected: yes. Not counted in ClinVar's aggregate classification.

Counsyl
Classification: Likely pathogenic for Breast-ovarian cancer, familial 1. Last evaluated: 2014-06-18. Review status: no assertion criteria provided. Collection method: literature only. Allele origin: unknown. Inheritance: Autosomal dominant inheritance. Not counted in ClinVar's aggregate classification.